The following is an entry in ClinVar:

ClinVar aggregate classification (germline): Benign/Likely benign. Review status: criteria provided, multiple submitters, no conflicts (2 of 4 stars). 11 submissions from 11 submitters: Benign (1); Likely benign (10). Last evaluated 2026-09-01.

Conditions:
Hereditary cancer-predisposing syndrome. Also called: Hereditary neoplastic syndrome; Neoplastic Syndromes, Hereditary; Hereditary Cancer Syndrome; Tumor predisposition. Identifiers: Orphanet 140162, MedGen C0027672, MeSH D009386, MONDO:0015356.
Colorectal cancer, susceptibility to, 12 (CRCS12). Also called: COLORECTAL CANCER, SUSCEPTIBILITY TO, ON CHROMOSOME 12q24. Identifiers: Orphanet 220460, MedGen C3554460, MONDO:0014038, OMIM 615083.
Polymerase proofreading-related adenomatous polyposis. Also called: Polymerase proofreading associated polyposis; Polymerase proofreading–associated polyposis (PPAP). Identifiers: Orphanet 447877, MedGen C5202613, MONDO:0018653.
Familial colorectal cancer type X. Identifiers: Orphanet 440437, MedGen C3896578, MONDO:0018604.

Allele frequency attached by ClinVar (database versions not stated): 1000 Genomes Project 0.00040; TOPMed 0.00013; 1000 Genomes Project 30x 0.00031.
gnomAD v4.1: 282 of 1,613,802 alleles (0.017%); highest among the groups gnomAD compares: South Asian, 0.038%; no homozygotes.

Submissions (11):

CeGaT Center for Human Genetics Tuebingen
Classification: Likely benign. Last evaluated: 2026-09-01. Review status: criteria provided, single submitter. Criteria: CeGaT Center For Human Genetics Tuebingen Variant Classification Criteria Version 2. Collection method: clinical testing. Allele origin: germline. Affected: yes. Observed: 3 variant alleles.
Comment: POLE: BP4, BP7

Labcorp Genetics (formerly Invitae), Labcorp
Classification: Likely benign. Last evaluated: 2026-02-03. Review status: criteria provided, single submitter. Criteria: Invitae Variant Classification Sherloc (09022015). Collection method: clinical testing. Allele origin: germline.

Women's Health and Genetics/Laboratory Corporation of America, LabCorp
Classification: Likely benign. Last evaluated: 2025-04-07. Review status: criteria provided, single submitter. Criteria: LabCorp Variant Classification Summary - May 2015. Collection method: clinical testing. Allele origin: germline.

Center for Genomic Medicine, Rigshospitalet, Copenhagen University Hospital
Classification: Likely benign. Last evaluated: 2025-03-04. Review status: criteria provided, single submitter. Criteria: ACMG Guidelines, 2015. Collection method: clinical testing. Allele origin: germline.

KCCC/NGS Laboratory, Kuwait Cancer Control Center
Classification: Benign for Colorectal cancer, susceptibility to, 12. Last evaluated: 2025-02-01. Review status: criteria provided, single submitter. Criteria: ACMG Guidelines, 2015. Collection method: clinical testing. Allele origin: germline. Affected: no.

Blueprint Genetics
Classification: Likely benign. Last evaluated: 2024-10-09. Review status: criteria provided, single submitter. Criteria: ACMG Guidelines, 2015. Collection method: clinical testing. Allele origin: germline.

Department of Pathology and Laboratory Medicine, Sinai Health System
Classification: Likely benign for Polymerase proofreading-related adenomatous polyposis; Familial colorectal cancer type X. Last evaluated: 2024-07-09. Review status: criteria provided, single submitter. Criteria: ACMG Guidelines, 2015. Collection method: clinical testing. Allele origin: germline. Affected: yes.

Sema4
Classification: Likely benign for Hereditary cancer-predisposing syndrome. Last evaluated: 2021-03-14. Review status: criteria provided, single submitter. Criteria: Sema4 Curation Guidelines. Collection method: curation. Allele origin: germline.

GeneDx
Classification: Likely benign. Last evaluated: 2021-02-14. Review status: criteria provided, single submitter. Criteria: GeneDx Variant Classification Process June 2021. Collection method: clinical testing. Allele origin: germline. Affected: yes.

PreventionGenetics, part of Exact Sciences
Classification: Likely benign. Last evaluated: 2017-04-21. Review status: criteria provided, single submitter. Criteria: ACMG Guidelines, 2015. Collection method: clinical testing. Allele origin: germline.

Ambry Genetics
Classification: Likely benign for Hereditary cancer-predisposing syndrome. Last evaluated: 2015-07-08. Review status: criteria provided, single submitter. Criteria: Ambry Variant Classification Scheme 2023. Collection method: clinical testing. Allele origin: germline.

NM_006231.4(POLE):c.1695C>T (p.Ala565=)

Gene: POLE (DNA polymerase epsilon, catalytic subunit; minus strand). Cytogenetic location: 12q24.33.
Variant type: single nucleotide variant.
Coding change: c.1695C>T on transcript NM_006231.4 (MANE Select); coding-DNA position 1695, C replaced by T.
Protein change: p.Ala565=; no amino-acid change (alanine 565 retained).
Molecular consequence: synonymous variant.
Genome position (GRCh38, 1-based): chr12:132,672,314, G>A on the plus strand (C>T on the coding strand, the complement: POLE is on the minus strand). VCF-style: chr12-132672314-G-A. GRCh37 (hg19) VCF-style: chr12-133248900-G-A.
Identifiers: ClinVar variation 380232 (VCV000380232.53), dbSNP rs139748472, ClinGen allele CA6893855.